The following is an entry in ClinVar:

ClinVar aggregate classification (germline): Uncertain significance. Review status: criteria provided, multiple submitters, no conflicts (2 of 4 stars). 3 submissions from 3 submitters: Uncertain significance (3). Last evaluated 2024-01-10.

Conditions:
Hereditary cancer-predisposing syndrome. Also called: Neoplastic Syndromes, Hereditary; Tumor predisposition; Hereditary Cancer Syndrome; Hereditary neoplastic syndrome. Identifiers: Orphanet 140162, MedGen C0027672, MeSH D009386, MONDO:0015356.
Classic or attenuated familial adenomatous polyposis. Identifiers: MedGen CN372698, MONDO:0021057.
Familial adenomatous polyposis 1 (FAP1). Also called: FAMILIAL ADENOMATOUS POLYPOSIS 1, ATTENUATED; POLYPOSIS, ADENOMATOUS INTESTINAL. Identifiers: MedGen C2713442, MONDO:0021056, OMIM 175100. Disease mechanism: loss of function.

Allele frequency attached by ClinVar (database versions not stated): TOPMed 0.00001.

Submissions (3):

Baylor Genetics
Classification: Uncertain significance for Familial adenomatous polyposis 1. Last evaluated: 2024-01-10. Review status: criteria provided, single submitter. Criteria: ACMG Guidelines, 2015. Collection method: clinical testing. Allele origin: unknown.

All of Us Research Program, National Institutes of Health
Classification: Uncertain significance for Classic or attenuated familial adenomatous polyposis. Last evaluated: 2023-06-08. Review status: criteria provided, single submitter. Criteria: ACMG Guidelines, 2015. Collection method: clinical testing. Allele origin: germline. Inheritance: Autosomal dominant inheritance. Observed: 1 variant allele, 1 heterozygote.
Comment: This missense variant replaces valine with leucine at codon 1961 of the APC protein. Computational prediction suggests that this variant may not impact protein structure and function (internally defined REVEL score threshold <= 0.5, PMID: 27666373). To our knowledge, functional studies have not been reported for this variant. This variant has not been reported in individuals affected with APC-related disorders in the literature. This variant has not been identified in the general population by the Genome Aggregation Database (gnomAD). The available evidence is insufficient to determine the role of this variant in disease conclusively. Therefore, this variant is classified as a Variant of Uncertain Significance.

This study involves interpretation of variants in research participants for the purpose of population health screening. Participant phenotype was not available at the time of variant classification. Additional details can be found in publication PMID: 35346344, PMCID: PMC8962531

Ambry Genetics
Classification: Uncertain significance for Hereditary cancer-predisposing syndrome. Last evaluated: 2016-11-25. Review status: criteria provided, single submitter. Criteria: Ambry Variant Classification Scheme 2023. Collection method: clinical testing. Allele origin: germline.
Comment: The p.V1961L variant (also known as c.5881G>C), located in coding exon 15 of the APC gene, results from a G to C substitution at nucleotide position 5881. The valine at codon 1961 is replaced by leucine, an amino acid with highly similar properties. This variant was not reported in population based cohorts in the following databases: Database of Single Nucleotide Polymorphisms (dbSNP), NHLBI Exome Sequencing Project (ESP), and 1000 Genomes Project. In the ESP, this variant was not observed in 6501 samples (13002 alleles) with coverage at this position. To date, this alteration has been detected with an allele frequency of approximately 0.001% (greater than 90000 alleles tested) in our clinical cohort. This amino acid position is highly conserved in available vertebrate species. In addition, in silico predictors for this gene do not accurately predict pathogenicity. Since supporting evidence is limited at this time, the clinical significance of this alteration remains unclear.

NM_000038.6(APC):c.5881G>C (p.Val1961Leu)

Gene: APC (APC regulator of Wnt signaling pathway; plus strand). Cytogenetic location: 5q22.2.
Variant type: single nucleotide variant.
Coding change: c.5881G>C on transcript NM_000038.6 (MANE Select); coding-DNA position 5881, G replaced by C.
Protein change: p.Val1961Leu; replaces valine 1961 with leucine.
Molecular consequence: missense variant.
Genome position (GRCh38, 1-based): chr5:112,841,475, G>C. VCF-style: chr5-112841475-G-C. GRCh37 (hg19) VCF-style: chr5-112177172-G-C.
Other names: c.5881G>C, p.Val1961Leu (NM_001127510.3, NM_001354895.2); c.5827G>C, p.Val1943Leu (NM_001127511.3); c.5935G>C, p.Val1979Leu (NM_001354896.2); c.5911G>C, p.Val1971Leu (NM_001354897.2); c.5806G>C, p.Val1936Leu (NM_001354898.2); c.5797G>C, p.Val1933Leu (NM_001354899.2); c.5758G>C, p.Val1920Leu (NM_001354900.2); c.5704G>C, p.Val1902Leu (NM_001354901.2); and 5 more; short protein forms V1943L, V1961L, V1801L, V1870L, V1902L, V1979L, V1933L, V1936L.
Identifiers: ClinVar variation 482243 (VCV000482243.7), dbSNP rs957226267, ClinGen allele CA16034198.